The following is an entry in ClinVar:

NM_001195305.3(BBIP1):c.37+3A>T

Gene: BBIP1 (BBSome interacting protein 1; minus strand). Cytogenetic location: 10q25.2.
Variant type: single nucleotide variant.
Coding change: c.37+3A>T on transcript NM_001195305.3 (MANE Select); 3 bases into the intron after coding-DNA position 37, A replaced by T.
Molecular consequence: intron variant.
Genome position (GRCh38, 1-based): chr10:110,918,118, T>A on the plus strand (A>T on the coding strand, the complement: BBIP1 is on the minus strand). VCF-style: chr10-110918118-T-A. GRCh37 (hg19) VCF-style: chr10-112677876-T-A.
Other names: c.37+3A>T (NM_001195306.2, NM_001195307.2, NM_001195304.2); c.-30+1003A>T (NM_001243783.3).
Identifiers: ClinVar variation 951609 (VCV000951609.10), dbSNP rs1247299009, ClinGen allele CA595730744.
Genomic context (GRCh38, chr10:110,918,118, plus strand): 5'-TCGAGAAGGTAGGTTTGCATCTGTATTGTTGACTGGCTGGATATTAACCATTTTCAATTT[T>A]ACCTGAAAGTTCTGGTCTTTTTGCTGCAGCTTTAAGCATCCAACCCGGTATTACCAAGAT-3'

ClinVar aggregate classification (germline): Uncertain significance. Review status: criteria provided, multiple submitters, no conflicts (2 of 4 stars). 4 submissions from 4 submitters: Uncertain significance (4). Last evaluated 2026-08-22.

Conditions:
Bardet-Biedl syndrome 18 (BBS18). Identifiers: Orphanet 110, MedGen C3806174, MONDO:0014446, OMIM 615995.
BBIP1-related disorder. Also called: BBIP1-related condition.

Allele frequency attached by ClinVar (database versions not stated): TOPMed 0.00001; gnomAD 0.00002; gnomAD exomes 0.00004.
gnomAD v4.1: 7 of 1,535,514 alleles (0.00046%); highest among the groups gnomAD compares: Admixed American, 0.014%; no homozygotes.

Submissions (4):

PreventionGenetics, part of Exact Sciences
Classification: Uncertain significance for BBIP1-related condition. Last evaluated: 2026-08-22. Review status: criteria provided, single submitter. Criteria: ACMG Guidelines, 2015. Collection method: clinical testing. Allele origin: germline.
Comment: The BBIP1 c.37+3A>T variant is predicted to interfere with splicing. This variant is predicted to impact splicing based on splicing prediction programs (SpliceAI, Jaganathan et al. 2019. PubMed ID: 30661751). This variant has been reported in a patient from an obesity cohort (Supplemental Table 1 in Roberts et al. 2022. PubMed ID: 35562395). This variant is reported in 0.020% of alleles in individuals of Latino descent in gnomAD. At this time, the clinical significance of this variant is uncertain due to the absence of conclusive functional and genetic evidence.

GeneDx
Classification: Uncertain significance. Last evaluated: 2024-08-10. Review status: criteria provided, single submitter. Criteria: GeneDx Variant Classification Process June 2021. Collection method: clinical testing. Allele origin: germline. Affected: yes.
Comment: Identified in the heterozygous state in an individual from a cohort of youth with obesity (PMID: 35562395); In silico analysis is inconclusive as to whether the variant alters gene splicing. In the absence of RNA/functional studies, the actual effect of this sequence change is unknown.; Variants in candidate genes are classified as variants of uncertain significance in accordance with ACMG guidelines (PMID: 25741868); This variant is associated with the following publications: (PMID: 35562395)

Labcorp Genetics (formerly Invitae), Labcorp
Classification: Uncertain significance. Last evaluated: 2021-11-22. Review status: criteria provided, single submitter. Criteria: Invitae Variant Classification Sherloc (09022015). Collection method: clinical testing. Allele origin: germline.
Comment: This variant is present in population databases (no rsID available, gnomAD 0.02%). This variant has not been reported in the literature in individuals affected with BBIP1-related conditions. ClinVar contains an entry for this variant (Variation ID: 951609). Variants that disrupt the consensus splice site are a relatively common cause of aberrant splicing (PMID: 17576681, 9536098). Algorithms developed to predict the effect of sequence changes on RNA splicing suggest that this variant may disrupt the consensus splice site. In summary, the available evidence is currently insufficient to determine the role of this variant in disease. Therefore, it has been classified as a Variant of Uncertain Significance. This sequence change falls in intron 2 of the BBIP1 gene. It does not directly change the encoded amino acid sequence of the BBIP1 protein. It affects a nucleotide within the consensus splice site.

Fulgent Genetics
Classification: Uncertain significance for Bardet-Biedl syndrome 18. Last evaluated: 2021-08-30. Review status: criteria provided, single submitter. Criteria: ACMG Guidelines, 2015. Collection method: clinical testing. Allele origin: unknown.

Literature cited by the submitters: PubMed 17576681 (cited by Labcorp Genetics (formerly Invitae), Labcorp); PubMed 9536098 (cited by Labcorp Genetics (formerly Invitae), Labcorp).